The following is an entry in ClinVar:

NM_001375765.1(GIGYF1):c.921T>C (p.Asp307=)

Gene: GIGYF1 (GRB10 interacting GYF protein 1; minus strand). Cytogenetic location: 7q22.1.
Variant type: single nucleotide variant.
Coding change: c.921T>C on transcript NM_001375765.1 (MANE Select); coding-DNA position 921, T replaced by C.
Protein change: p.Asp307=; no amino-acid change (aspartic acid 307 retained).
Molecular consequence: synonymous variant. On other transcripts: non-coding transcript variant (1).
Genome position (GRCh38, 1-based): chr7:100,686,207, A>G on the plus strand (T>C on the coding strand, the complement: GIGYF1 is on the minus strand). VCF-style: chr7-100686207-A-G. GRCh37 (hg19) VCF-style: chr7-100283830-A-G.
Other names: c.921T>C, p.Asp307= (NM_001375759.1, NM_001375760.1, NM_001375761.1 and 6 more transcripts).
Identifiers: ClinVar variation 4821686 (VCV004821686.4).

ClinVar aggregate classification (germline): Likely benign (1 of 4 stars; one submission).

gnomAD v4.1: 159 of 1,613,298 alleles (0.0099%); highest among the groups gnomAD compares: African/African-American, 0.19%; no homozygotes.

Submission:

CeGaT Center for Human Genetics Tuebingen
Classification: Likely benign. Last evaluated: 2026-03-01. Review status: criteria provided, single submitter. Criteria: CeGaT Center For Human Genetics Tuebingen Variant Classification Criteria Version 2. Collection method: clinical testing. Allele origin: germline. Affected: yes. Observed: 1 variant allele.
Comment: GIGYF1: BP4, BP7, BS1